The following is an entry in ClinVar:

ClinVar aggregate classification (germline): Uncertain significance (1 of 4 stars; one submission).

Allele frequency attached by ClinVar (database versions not stated): ExAC 0.00001; gnomAD 0.00001; TOPMed 0.00003; gnomAD exomes 0.00006.
gnomAD v4.1: 82 of 1,570,886 alleles (0.0052%); highest among the groups gnomAD compares: Non-Finnish European, 0.007%; no homozygotes.

Submission:

Labcorp Genetics (formerly Invitae), Labcorp
Classification: Uncertain significance. Last evaluated: 2022-06-03. Review status: criteria provided, single submitter. Criteria: Invitae Variant Classification Sherloc (09022015). Collection method: clinical testing. Allele origin: germline.
Comment: This sequence change falls in intron 11 of the ERCC6 gene. It does not directly change the encoded amino acid sequence of the ERCC6 protein. It affects a nucleotide within the consensus splice site. This variant is present in population databases (rs777806154, gnomAD 0.003%). This variant has not been reported in the literature in individuals affected with ERCC6-related conditions. Variants that disrupt the consensus splice site are a relatively common cause of aberrant splicing (PMID: 17576681, 9536098). Algorithms developed to predict the effect of sequence changes on RNA splicing suggest that this variant may disrupt the consensus splice site. In summary, the available evidence is currently insufficient to determine the role of this variant in disease. Therefore, it has been classified as a Variant of Uncertain Significance.

Literature cited by the submitters: PubMed 17576681; PubMed 9536098.

NM_000124.4(ERCC6):c.2286+5G>A

Gene: ERCC6 (ERCC excision repair 6, chromatin remodeling factor; minus strand). Cytogenetic location: 10q11.23.
Variant type: single nucleotide variant.
Coding change: c.2286+5G>A on transcript NM_000124.4 (MANE Select); 5 bases into the intron after coding-DNA position 2286, G replaced by A.
Molecular consequence: intron variant.
Genome position (GRCh38, 1-based): chr10:49,478,349, C>T on the plus strand (G>A on the coding strand, the complement: ERCC6 is on the minus strand). VCF-style: chr10-49478349-C-T. GRCh37 (hg19) VCF-style: chr10-50686395-C-T.
Other names: c.2286+5G>A (NM_001346440.2).
Identifiers: ClinVar variation 1985936 (VCV001985936.1), dbSNP rs777806154, ClinGen allele CA5495714.